The following is an entry in ClinVar:

NM_001267550.2(TTN):c.81968T>A (p.Met27323Lys)

Genes: TTN (titin; minus strand), TTN-AS1 (TTN antisense RNA 1; plus strand). Cytogenetic location: 2q31.2.
Variant type: single nucleotide variant.
Coding change: c.81968T>A on transcript NM_001267550.2 (MANE Select); coding-DNA position 81968, T replaced by A.
Protein change: p.Met27323Lys; replaces methionine 27323 with lysine.
Molecular consequence: missense variant.
Genome position (GRCh38, 1-based): chr2:178,564,164, A>T on the plus strand (T>A on the coding strand, the complement: TTN is on the minus strand). VCF-style: chr2-178564164-A-T. GRCh37 (hg19) VCF-style: chr2-179428891-A-T.
Other names: c.54773T>A, p.Met18258Lys (NM_003319.4); c.74264T>A, p.Met24755Lys (NM_133378.4); c.55148T>A, p.Met18383Lys (NM_133432.3); c.55349T>A, p.Met18450Lys (NM_133437.4); c.77045T>A, p.Met25682Lys (NM_001256850.1); short protein forms M18258K, M18383K, M18450K, M24755K, M25682K, M27323K.
Identifiers: ClinVar variation 4855427 (VCV004855427.1).
Genomic context (GRCh38, chr2:178,564,164, plus strand): 5'-TCAGTCCGTATACAGTCTTTGACAACAAGAGTTGTTTTCTGAATAGTAGATTTAATTTCC[A>T]TTCTAGCAGCTGTTTCTTCAAGTTCTTTTCCATCTTTTGACCAAACAACATCAGGTATAG-3'
Protein context (NP_001254479.2, residues 27313-27333): GKELEETAAR[Met27323Lys]EIKSTIQKTT

ClinVar aggregate classification (germline): Uncertain significance (1 of 4 stars; one submission).

Conditions:
Autosomal recessive limb-girdle muscular dystrophy type 2J (LGMDR10). Also called: MUSCULAR DYSTROPHY, LIMB-GIRDLE, AUTOSOMAL RECESSIVE 10; Limb-girdle muscular dystrophy, type 2J. Identifiers: Orphanet 140922, MedGen C1837342, MONDO:0012127, OMIM 608807.

Submission:

3billion
Classification: Uncertain significance for Autosomal recessive limb-girdle muscular dystrophy type 2J. Last evaluated: 2026-01-23. Review status: criteria provided, single submitter. Criteria: ACMG Guidelines, 2015. Collection method: clinical testing. Allele origin: germline. Affected: yes.
Comment: The variant is not observed in the gnomAD v4.1.0 dataset. Predicted Consequence/Location: Missense variant Damaging effect on gene or gene product predicted by in silico programs is uncertain [REVEL: 0.53 (damaging >=0.6, benign <0.4)]. Therefore, this variant is classified as VUS according to the recommendation of ACMG/AMP guideline.